The following is an entry in ClinVar:

ClinVar aggregate classification (germline): Pathogenic. Review status: reviewed by expert panel (3 of 4 stars). 23 submissions from 23 submitters: Pathogenic (1). 22 of the submissions do not count toward it. Last evaluated 2016-09-08.

Conditions:
Hereditary cancer-predisposing syndrome. Also called: Neoplastic Syndromes, Hereditary; Tumor predisposition; Hereditary Cancer Syndrome; Hereditary neoplastic syndrome. Identifiers: Orphanet 140162, MedGen C0027672, MeSH D009386, MONDO:0015356.
Hereditary breast ovarian cancer syndrome. Also called: Hereditary breast and ovarian cancer; Breast and ovarian cancer; Hereditary breast and/or ovarian cancer syndrome; Hereditary breast and ovarian cancer syndrome (HBOC); Hereditary breast and ovarian cancer syndrome; BRCA1- and BRCA2-Associated Hereditary Breast and Ovarian Cancer. Identifiers: Orphanet 145, MedGen C0677776, MeSH D061325, MONDO:0003582. Disease mechanism: loss of function.
Breast-ovarian cancer, familial, susceptibility to, 2 (BROVCA2). Also called: BRCA2 Hereditary Breast and Ovarian Cancer. Identifiers: Orphanet 145, MedGen C2675520, MONDO:0012933, OMIM 612555. Disease mechanism: loss of function.
Familial cancer of breast. Also called: BREAST CANCER, FAMILIAL; Hereditary breast cancer; hereditary breast carcinoma. Identifiers: Orphanet 227535, MedGen C0346153, MONDO:0016419, OMIM 114480. Disease mechanism: loss of function.

Submissions 1 to 9 of 23:

Evidence-based Network for the Interpretation of Germline Mutant Alleles (ENIGMA)
Classification: Pathogenic for Breast-ovarian cancer, familial, susceptibility to, 2. Last evaluated: 2016-09-08. Review status: reviewed by expert panel. Criteria: ENIGMA BRCA1/2 Classification Criteria (2015). Collection method: curation. Allele origin: germline.
Comment: Variant allele predicted to encode a truncated non-functional protein.

Ambry Genetics
Classification: Pathogenic for Hereditary cancer-predisposing syndrome. Last evaluated: 2026-08-25. Review status: criteria provided, single submitter. Criteria: Ambry Variant Classification Scheme 2023. Collection method: clinical testing. Allele origin: germline. Not counted in ClinVar's aggregate classification.
Comment: The c.6037A>T (p.K2013*) alteration, located in exon 11 (coding exon 10) of the BRCA2 gene, consists of an A to T substitution at nucleotide position 6037. This changes the amino acid from a lysine (K) to a stop codon at amino acid position 2013. This variant is expected to result in loss of function by premature protein truncation or nonsense-mediated mRNA decay. This variant was not reported in population-based cohorts in the Genome Aggregation Database (gnomAD). This variant has been identified in multiple individuals with personal and/or family histories of breast, ovarian, pancreatic, and/or prostate cancer (Meindl, 2002; Walsh, 2011; Cunningham, 2014; Maier, 2014; Labidi-Galy, 2018; Dudley, 2018). Of note, this variant is also designated as 6265A>T in published literature. Based on the available evidence, this alteration is classified as pathogenic.

Labcorp Genetics (formerly Invitae), Labcorp
Classification: Pathogenic for Hereditary breast ovarian cancer syndrome. Last evaluated: 2026-01-13. Review status: criteria provided, single submitter. Criteria: Invitae Variant Classification Sherloc (09022015). Collection method: clinical testing. Allele origin: germline. Not counted in ClinVar's aggregate classification.
Comment: This sequence change creates a premature translational stop signal (p.Lys2013*) in the BRCA2 gene. It is expected to result in an absent or disrupted protein product. Loss-of-function variants in BRCA2 are known to be pathogenic (PMID: 20104584). This variant is not present in population databases (gnomAD no frequency). This premature translational stop signal has been observed in individual(s) with breast cancer, ovarian cancer, fallopian tube cancer, and prostate cancer (PMID: 11802209, 11897832, 17513806, 22006311, 24504028, 24728189, 25111659). This variant is also known as 6265A>T. ClinVar contains an entry for this variant (Variation ID: 38016). For these reasons, this variant has been classified as Pathogenic.

Dasa
Classification: Pathogenic for Breast-ovarian cancer, familial, susceptibility to, 2. Last evaluated: 2025-03-03. Review status: criteria provided, single submitter. Criteria: DASA Assertion Criteria. Collection method: clinical testing. Allele origin: germline. Not counted in ClinVar's aggregate classification.
Comment: NM_000059.4(BRCA2):c.6037A>T (p.Lys2013*) introduces a premature termination codon predicted to result in loss of normal protein function. Loss-of-function is an established mechanism of disease for this gene. The affected residue or protein region has prior evidence supporting clinical relevance. This variant has been reported in individuals with Breast-ovarian cancer, familial, susceptibility to, 2. This variant has been reported in individuals with Breast-ovarian cancer, familial, susceptibility to, 2. The variant is present at low frequency in population datasets. Based on the available data, this variant is classified as pathogenic.

Quest Diagnostics Nichols Institute San Juan Capistrano
Classification: Pathogenic. Last evaluated: 2024-08-06. Review status: criteria provided, single submitter. Criteria: Quest Diagnostics criteria. Collection method: clinical testing. Allele origin: unknown. Not counted in ClinVar's aggregate classification.
Comment: The BRCA2 c.6037A>T (p.Lys2013*) variant causes the premature termination of BRCA2 protein synthesis. This variant has been reported in the published literature in numerous individuals with breast and/or ovarian cancer (PMIDs: 32438681 (2020), 31209999 (2019), 24728189 (2014), 21913181 (2012), 11897832 (2002), 11802209 (2002)), including early onset (PMID: 23961350 (2012)), as well as individuals with prostate (PMIDs: 28259476 (2017), 25111659 (2014)), fallopian tube (PMID: 22006311 (2011)), pancreatic (PMIDs: 36717774 (2023), 29922827 (2018)), endometrial (PMID: 34994648 (2021)), and gastric (PMID: 31514334 (2019)) cancers. This variant has not been reported in large, multi-ethnic general populations (Genome Aggregation Database). Based on the available information, this variant is classified as pathogenic.

Color Diagnostics, LLC DBA Color Health
Classification: Pathogenic for Hereditary cancer-predisposing syndrome. Last evaluated: 2024-06-18. Review status: criteria provided, single submitter. Criteria: ACMG Guidelines, 2015. Collection method: clinical testing. Allele origin: germline. Not counted in ClinVar's aggregate classification.
Comment: This variant changes 1 nucleotide in exon 11 of the BRCA2 gene, creating a premature translation stop signal. This variant is expected to result in an absent or non-functional protein product. This variant has been reported in individuals affected with breast or ovarian cancer (PMID: 11802209, 11897832, 16168123, 17513806, 21913181, 22006311, 23961350, 24504028, 24728189, 25111659, 24728189, 29084914, 29360161, 32380732, 32438681), pancreatic cancer (PMID: 29360161), or prostate cancer (PMID: 25111659). This variant has not been identified in the general population by the Genome Aggregation Database (gnomAD). Loss of BRCA2 function is a known mechanism of disease. Based on the available evidence, this variant is classified as Pathogenic.

Baylor Genetics
Classification: Pathogenic for Familial cancer of breast. Last evaluated: 2024-03-13. Review status: criteria provided, single submitter. Criteria: ACMG Guidelines, 2015. Collection method: clinical testing. Allele origin: unknown. Not counted in ClinVar's aggregate classification.

All of Us Research Program, National Institutes of Health
Classification: Pathogenic for Breast-ovarian cancer, familial, susceptibility to, 2. Last evaluated: 2023-12-13. Review status: criteria provided, single submitter. Criteria: ACMG Guidelines, 2015. Collection method: clinical testing. Allele origin: germline. Inheritance: Autosomal dominant inheritance. Observed: 1 variant allele, 1 heterozygote. Not counted in ClinVar's aggregate classification.
Comment: This variant changes 1 nucleotide in exon 11 of the BRCA2 gene, creating a premature translation stop signal. This variant is expected to result in an absent or non-functional protein product. To our knowledge, functional studies have not been reported for this variant. This variant has been reported in individuals affected with breast or ovarian cancer (PMID: 11802209, 11897832, 16168123, 17513806, 21913181, 22006311, 23961350, 24504028, 24728189, 25111659, 24728189, 29084914, 29360161, 32380732, 32438681), pancreatic cancer (PMID: 29360161), or prostate cancer (PMID: 25111659). This variant has not been identified in the general population by the Genome Aggregation Database (gnomAD). Loss of BRCA2 function is a known mechanism of disease. Based on the available evidence, this variant is classified as Pathogenic.

This study involves interpretation of variants in research participants for the purpose of population health screening. Participant phenotype was not available at the time of variant classification. Additional details can be found in publication PMID: 35346344, PMCID: PMC8962531

Women's Health and Genetics/Laboratory Corporation of America, LabCorp
Classification: Pathogenic for Hereditary breast ovarian cancer syndrome. Last evaluated: 2023-07-13. Review status: criteria provided, single submitter. Criteria: LabCorp Variant Classification Summary - May 2015. Collection method: clinical testing. Allele origin: germline. Not counted in ClinVar's aggregate classification.
Comment: Variant summary: BRCA2 c.6037A>T (p.Lys2013X) results in a premature termination codon, predicted to cause an absence of the protein due to nonsense mediated decay, which is a commonly known mechanism for disease. The variant was absent in 253864 control chromosomes. c.6037A>T has been reported in the literature in multiple individuals affected with Hereditary Breast And Ovarian Cancer Syndrome (examples: Meindl_2002, Machado_2007, Song_2014, Litton_2011, Tarabeux_2014, Solano_2016). These data indicate that the variant is very likely to be associated with disease. To our knowledge, no experimental evidence demonstrating an impact on protein function has been reported. The following publications have been ascertained in the context of this evaluation (PMID: 11802209, 23961350, 21913181, 23942203, 17513806, 24728189, Solano et al.,(2016) Oncotarget). Multiple submitters have cited clinical-significance assessments for this variant to ClinVar after 2014. All submitters classified the variant as pathogenic, including 1 expert panel (ENIGMA). Based on the evidence outlined above, the variant was classified as pathogenic.

NM_000059.4(BRCA2):c.6037A>T (p.Lys2013Ter)

Gene: BRCA2 (BRCA2 DNA repair associated; plus strand). Cytogenetic location: 13q13.1.
Variant type: single nucleotide variant.
Coding change: c.6037A>T on transcript NM_000059.4 (MANE Select); coding-DNA position 6037, A replaced by T.
Protein change: p.Lys2013Ter; replaces lysine 2013 with a stop codon.
Molecular consequence: nonsense.
Genome position (GRCh38, 1-based): chr13:32,340,392, A>T. VCF-style: chr13-32340392-A-T. GRCh37 (hg19) VCF-style: chr13-32914529-A-T.
Other names: 6265A>T; short protein forms K2013*.
Identifiers: ClinVar variation 38016 (VCV000038016.82), dbSNP rs80358840, ClinGen allele CA023562.